The following is an entry in ClinVar:

ClinVar aggregate classification (germline): Uncertain significance (1 of 4 stars; one submission).

gnomAD v4.1: 15 of 1,613,570 alleles (0.00093%); highest among the groups gnomAD compares: Non-Finnish European, 0.0013%; no homozygotes.

Submission:

GeneDx
Classification: Uncertain significance. Last evaluated: 2024-11-08. Review status: criteria provided, single submitter. Criteria: GeneDx Variant Classification Process June 2021. Collection method: clinical testing. Allele origin: germline. Affected: yes.
Comment: Not observed at significant frequency in large population cohorts (gnomAD); Missense variant in a gene in which most reported pathogenic variants are truncating/loss of function; Has not been previously published as pathogenic or benign to our knowledge

NM_001267550.2(TTN):c.81733G>C (p.Val27245Leu)

Genes: TTN (titin; minus strand), TTN-AS1 (TTN antisense RNA 1; plus strand). Cytogenetic location: 2q31.2.
Variant type: single nucleotide variant.
Coding change: c.81733G>C on transcript NM_001267550.2 (MANE Select); coding-DNA position 81733, G replaced by C.
Protein change: p.Val27245Leu; replaces valine 27245 with leucine.
Molecular consequence: missense variant.
Genome position (GRCh38, 1-based): chr2:178,564,399, C>G on the plus strand (G>C on the coding strand, the complement: TTN is on the minus strand). VCF-style: chr2-178564399-C-G. GRCh37 (hg19) VCF-style: chr2-179429126-C-G.
Other names: c.76810G>C, p.Val25604Leu (NM_001256850.1); c.54538G>C, p.Val18180Leu (NM_003319.4); c.74029G>C, p.Val24677Leu (NM_133378.4); c.54913G>C, p.Val18305Leu (NM_133432.3); c.55114G>C, p.Val18372Leu (NM_133437.4); short protein forms V18180L, V18305L, V18372L, V24677L, V25604L, V27245L.
Identifiers: ClinVar variation 3898780 (VCV003898780.1).